The following is an entry in ClinVar:

ClinVar aggregate classification (germline): Likely benign (0 of 4 stars; one submission).

Conditions:
APAF1-related disorder. Also called: APAF1-related condition.

Allele frequency attached by ClinVar (database versions not stated): ExAC 0.00016; 1000 Genomes Project 30x 0.00031; 1000 Genomes Project 0.00040; gnomAD 0.00060; ESP Exome Variant Server 0.00092; TOPMed 0.00093.
gnomAD v4.1: 206 of 1,613,960 alleles (0.013%); highest among the groups gnomAD compares: African/African-American, 0.19%; 1 homozygote.

Submission:

PreventionGenetics, part of Exact Sciences
Classification: Likely benign for APAF1-related condition. Last evaluated: 2019-06-25. Review status: no assertion criteria provided. Collection method: clinical testing. Allele origin: germline.
Comment: This variant is classified as likely benign based on ACMG/AMP sequence variant interpretation guidelines (Richards et al. 2015 PMID: 25741868, with internal and published modifications).

NM_181861.2(APAF1):c.1248G>A (p.Gln416=)

Gene: APAF1 (apoptotic peptidase activating factor 1; plus strand). Cytogenetic location: 12q23.1.
Variant type: single nucleotide variant.
Coding change: c.1248G>A on transcript NM_181861.2 (MANE Select); coding-DNA position 1248, G replaced by A.
Protein change: p.Gln416=; no amino-acid change (glutamine 416 retained).
Molecular consequence: synonymous variant. On other transcripts: intron variant (1).
Genome position (GRCh38, 1-based): chr12:98,666,243, G>A. VCF-style: chr12-98666243-G-A. GRCh37 (hg19) VCF-style: chr12-99060021-G-A.
Other names: c.1215G>A, p.Gln405= (NM_001160.3, NM_013229.3); c.1248G>A, p.Gln416= (NM_181868.2); c.955+3437G>A (NM_181869.2).
Identifiers: ClinVar variation 3042926 (VCV003042926.2), dbSNP rs147249307, ClinGen allele CA6733941.